The following is an entry in ClinVar:

ClinVar aggregate classification (germline): Uncertain significance. Review status: criteria provided, multiple submitters, no conflicts (2 of 4 stars). 4 submissions from 4 submitters: Uncertain significance (4). Last evaluated 2022-12-01.

Conditions:
Primary ciliary dyskinesia. Also called: Ciliary dyskinesia. Identifiers: Orphanet 244, MedGen C0008780, MONDO:0016575, HP:0012265.

Allele frequency attached by ClinVar (database versions not stated): ESP Exome Variant Server 0.00009; TOPMed 0.00002; gnomAD 0.00004; gnomAD exomes 0.00004; ExAC 0.00007.
gnomAD v4.1: 42 of 1,610,190 alleles (0.0026%); highest among the groups gnomAD compares: Non-Finnish European, 0.0033%; no homozygotes.

Submissions (4):

Blueprint Genetics
Classification: Uncertain significance. Last evaluated: 2022-12-01. Review status: criteria provided, single submitter. Criteria: ACMG Guidelines, 2015. Collection method: clinical testing. Allele origin: germline.

Labcorp Genetics (formerly Invitae), Labcorp
Classification: Uncertain significance for Primary ciliary dyskinesia. Last evaluated: 2021-09-01. Review status: criteria provided, single submitter. Criteria: Invitae Variant Classification Sherloc (09022015). Collection method: clinical testing. Allele origin: germline.
Comment: This sequence change replaces leucine with serine at codon 796 of the CCDC39 protein (p.Leu796Ser). The leucine residue is weakly conserved and there is a large physicochemical difference between leucine and serine. This variant is present in population databases (rs377454931, ExAC 0.01%). This variant has not been reported in the literature in individuals affected with CCDC39-related conditions. Algorithms developed to predict the effect of missense changes on protein structure and function are either unavailable or do not agree on the potential impact of this missense change (SIFT: "Deleterious"; PolyPhen-2: "Probably Damaging"; Align-GVGD: "Class C0"). In summary, the available evidence is currently insufficient to determine the role of this variant in disease. Therefore, it has been classified as a Variant of Uncertain Significance.

Ambry Genetics
Classification: Uncertain significance for Primary ciliary dyskinesia. Last evaluated: 2021-08-02. Review status: criteria provided, single submitter. Criteria: Ambry Variant Classification Scheme 2023. Collection method: clinical testing. Allele origin: germline.

Breakthrough Genomics
Classification: Uncertain significance. Review status: criteria provided, single submitter. Criteria: ACMG Guidelines, 2015. Collection method: not provided. Allele origin: germline. Inheritance: Autosomal recessive inheritance. Affected: yes.

NM_181426.2(CCDC39):c.2387T>C (p.Leu796Ser)

Genes: CCDC39 (coiled-coil domain 39 molecular ruler complex subunit; minus strand), TTC14 (tetratricopeptide repeat domain 14; plus strand). Cytogenetic location: 3q26.33.
Variant type: single nucleotide variant.
Coding change: c.2387T>C on transcript NM_181426.2 (MANE Select); coding-DNA position 2387, T replaced by C.
Protein change: p.Leu796Ser; replaces leucine 796 with serine.
Molecular consequence: missense variant. On other transcripts: intron variant (1).
Genome position (GRCh38, 1-based): chr3:180,616,845, A>G on the plus strand (T>C on the coding strand, the complement: CCDC39 is on the minus strand). VCF-style: chr3-180616845-A-G. GRCh37 (hg19) VCF-style: chr3-180334633-A-G.
Other names: c.1775-535A>G (NM_001288582.2); short protein forms L796S.
Identifiers: ClinVar variation 455018 (VCV000455018.10), dbSNP rs377454931, ClinGen allele CA2715695.